The following is an entry in ClinVar:

ClinVar aggregate classification (germline): Uncertain significance (1 of 4 stars; one submission).

Allele frequency attached by ClinVar (database versions not stated): TOPMed 0.00003; gnomAD 0.00004; ExAC 0.00006; 1000 Genomes Project 30x 0.00031; 1000 Genomes Project 0.00040.
gnomAD v4.1: 16 of 1,548,984 alleles (0.001%); highest among the groups gnomAD compares: Admixed American, 0.0059%; no homozygotes.

Submission:

Women's Health and Genetics/Laboratory Corporation of America, LabCorp
Classification: Uncertain significance. Last evaluated: 2023-12-22. Review status: criteria provided, single submitter. Criteria: LabCorp Variant Classification Summary - May 2015. Collection method: clinical testing. Allele origin: germline.
Comment: Variant summary: SETD1B c.1460C>T (p.Ser487Leu) results in a non-conservative amino acid change in the encoded protein sequence. Five of five in-silico tools predict a damaging effect of the variant on protein function. The variant allele was found at a frequency of 3.3e-05 in 151130 control chromosomes (gnomAD). The available data on variant occurrences in the general population are insufficient to allow any conclusion about variant significance. To our knowledge, no occurrence of c.1460C>T in individuals affected with Intellectual Developmental Disorder With Seizures And Language Delay has been reported. At least one publication reports experimental evidence evaluating an impact on protein function, finding no effect on cell proliferation, migration or invasion in HEK293T cells (Yang_2019). The following publication has been ascertained in the context of this evaluation (PMID: 30977120). No submitters have cited clinical-significance assessments for this variant to ClinVar after 2014. Based on the evidence outlined above, the variant was classified as uncertain significance.

Literature cited by the submitters: PubMed 30977120.

NM_001353345.2(SETD1B):c.1460C>T (p.Ser487Leu)

Gene: SETD1B (SET domain containing 1B, histone lysine methyltransferase; plus strand). Cytogenetic location: 12q24.31.
Variant type: single nucleotide variant.
Coding change: c.1460C>T on transcript NM_001353345.2 (MANE Select); coding-DNA position 1460, C replaced by T.
Protein change: p.Ser487Leu; replaces serine 487 with leucine.
Molecular consequence: missense variant.
Genome position (GRCh38, 1-based): chr12:121,810,405, C>T. VCF-style: chr12-121810405-C-T. GRCh37 (hg19) VCF-style: chr12-122248311-C-T.
Other names: short protein forms S487L.
Identifiers: ClinVar variation 2691383 (VCV002691383.1), dbSNP rs185632300, ClinGen allele CA6838873.
Genomic context (GRCh38, chr12:121,810,405, plus strand): 5'-GGCCCACCTTCGGCTGGAGTCCTGAGCCCTGTGACAGCCCTGGCACGCCCACGCTGGAGT[C>T]GTCCCCTGCAGGGCCAGAGAAACCCCACGACAGCCTGGACTCGCGCATCGAGATGCTGCT-3'
Protein context (NP_001340274.1, residues 477-497): CDSPGTPTLE[Ser487Leu]SPAGPEKPHD